The following is an entry in ClinVar:

NM_003742.4(ABCB11):c.3484G>T (p.Glu1162Ter)

Gene: ABCB11 (ATP binding cassette subfamily B member 11; minus strand). Cytogenetic location: 2q31.1.
Variant type: single nucleotide variant.
Coding change: c.3484G>T on transcript NM_003742.4 (MANE Select); coding-DNA position 3484, G replaced by T.
Protein change: p.Glu1162Ter; replaces glutamic acid 1162 with a stop codon.
Molecular consequence: nonsense.
Genome position (GRCh38, 1-based): chr2:168,927,290, C>A on the plus strand (G>T on the coding strand, the complement: ABCB11 is on the minus strand). VCF-style: chr2-168927290-C-A. GRCh37 (hg19) VCF-style: chr2-169783800-C-A.
Other names: short protein forms E1162*.
Identifiers: ClinVar variation 4845978 (VCV004845978.1).

ClinVar aggregate classification (germline): Pathogenic (1 of 4 stars; one submission).

Conditions:
Familial intrahepatic cholestasis. Identifiers: Orphanet 284385, MedGen CN296401, MONDO:0017290.

Submission:

Genomenon, Inc
Classification: Pathogenic for Familial intrahepatic cholestasis. Last evaluated: 2026-04-14. Review status: criteria provided, single submitter. Criteria: Genomenon Sequence Variant Interpretation Standards - Updated. Collection method: curation. Allele origin: germline. Affected: yes.
Comment: ABCB11 p.Glu1162Ter (c.3484G>T) is a nonsense variant that introduces a premature stop codon at amino acid position 1162, creating a truncated protein that is predicted to undergo nonsense-mediated mRNA decay. This variant has been observed in at least one proband with an ABCB11-related disorder (PMID:32765934;24627769). It is absent or not present at a significant frequency in gnomAD. In conclusion, we classify ABCB11 p.Glu1162Ter (c.3484G>T) as a pathogenic variant.

Literature cited by the submitters: PubMed 32765934; PubMed 24627769.